The following is an entry in ClinVar:

ClinVar aggregate classification (germline): Uncertain significance (1 of 4 stars; one submission).

Allele frequency attached by ClinVar (database versions not stated): gnomAD exomes below 0.00001.

Submission:

Labcorp Genetics (formerly Invitae), Labcorp
Classification: Uncertain significance. Last evaluated: 2022-05-10. Review status: criteria provided, single submitter. Criteria: Invitae Variant Classification Sherloc (09022015). Collection method: clinical testing. Allele origin: germline.
Comment: In summary, the available evidence is currently insufficient to determine the role of this variant in disease. Therefore, it has been classified as a Variant of Uncertain Significance. Algorithms developed to predict the effect of missense changes on protein structure and function (SIFT, PolyPhen-2, Align-GVGD) all suggest that this variant is likely to be tolerated. This variant has not been reported in the literature in individuals affected with TNFAIP3-related conditions. This variant is not present in population databases (gnomAD no frequency). This sequence change replaces lysine, which is basic and polar, with arginine, which is basic and polar, at codon 690 of the TNFAIP3 protein (p.Lys690Arg).

NM_001270508.2(TNFAIP3):c.2069A>G (p.Lys690Arg)

Gene: TNFAIP3 (TNF alpha induced protein 3; plus strand). Cytogenetic location: 6q23.3.
Variant type: single nucleotide variant.
Coding change: c.2069A>G on transcript NM_001270508.2 (MANE Select); coding-DNA position 2069, A replaced by G.
Protein change: p.Lys690Arg; replaces lysine 690 with arginine.
Molecular consequence: missense variant.
Genome position (GRCh38, 1-based): chr6:137,880,233, A>G. VCF-style: chr6-137880233-A-G. GRCh37 (hg19) VCF-style: chr6-138201370-A-G.
Other names: c.2069A>G, p.Lys690Arg (NM_001270507.2, NM_006290.4); short protein forms K690R.
Identifiers: ClinVar variation 1955499 (VCV001955499.5), dbSNP rs2482766648, ClinGen allele CA365796017.